The following is an entry in ClinVar:

NM_001042492.3(NF1):c.5866C>A (p.Leu1956Ile)

Gene: NF1 (neurofibromin 1; plus strand). Cytogenetic location: 17q11.2.
Variant type: single nucleotide variant.
Coding change: c.5866C>A on transcript NM_001042492.3 (MANE Select); coding-DNA position 5866, C replaced by A.
Protein change: p.Leu1956Ile; replaces leucine 1956 with isoleucine.
Molecular consequence: missense variant.
Genome position (GRCh38, 1-based): chr17:31,334,891, C>A. VCF-style: chr17-31334891-C-A. GRCh37 (hg19) VCF-style: chr17-29661909-C-A.
Other names: c.5803C>A, p.Leu1935Ile (NM_000267.4); short protein forms L1956I, L1935I.
Identifiers: ClinVar variation 484081 (VCV000484081.8), dbSNP rs747678243, ClinGen allele CA399010670.

ClinVar aggregate classification (germline): Uncertain significance. Review status: criteria provided, multiple submitters, no conflicts (2 of 4 stars). 2 submissions from 2 submitters: Uncertain significance (2). Last evaluated 2024-01-06.

Conditions:
Cardiovascular phenotype. Identifiers: MedGen CN230736.
Hereditary cancer-predisposing syndrome. Also called: Hereditary neoplastic syndrome; Neoplastic Syndromes, Hereditary; Tumor predisposition; Hereditary Cancer Syndrome. Identifiers: Orphanet 140162, MedGen C0027672, MeSH D009386, MONDO:0015356.
Neurofibromatosis, type 1 (NF1). Also called: VON RECKLINGHAUSEN DISEASE; Peripheral type neurofibromatosis; NEUROFIBROMATOSIS, TYPE I, SOMATIC; Neurofibromatosis, type I. Identifiers: Orphanet 636, MedGen C0027831, MONDO:0018975, OMIM 162200. Disease mechanism: loss of function.

Submissions (2):

Labcorp Genetics (formerly Invitae), Labcorp
Classification: Uncertain significance for Neurofibromatosis, type 1. Last evaluated: 2024-01-06. Review status: criteria provided, single submitter. Criteria: Invitae Variant Classification Sherloc (09022015). Collection method: clinical testing. Allele origin: germline.
Comment: This sequence change replaces leucine, which is neutral and non-polar, with isoleucine, which is neutral and non-polar, at codon 1935 of the NF1 protein (p.Leu1935Ile). This variant is not present in population databases (gnomAD no frequency). This variant has not been reported in the literature in individuals affected with NF1-related conditions. ClinVar contains an entry for this variant (Variation ID: 484081). Advanced modeling of protein sequence and biophysical properties (such as structural, functional, and spatial information, amino acid conservation, physicochemical variation, residue mobility, and thermodynamic stability) performed at Invitae indicates that this missense variant is expected to disrupt NF1 protein function with a positive predictive value of 95%. In summary, the available evidence is currently insufficient to determine the role of this variant in disease. Therefore, it has been classified as a Variant of Uncertain Significance.

Ambry Genetics
Classification: Uncertain significance for Cardiovascular phenotype; Hereditary cancer-predisposing syndrome. Last evaluated: 2016-11-30. Review status: criteria provided, single submitter. Criteria: Ambry Variant Classification Scheme 2023. Collection method: clinical testing. Allele origin: germline.
Comment: The p.L1935I variant (also known as c.5803C>A), located in coding exon 39 of the NF1 gene, results from a C to A substitution at nucleotide position 5803. The leucine at codon 1935 is replaced by isoleucine, an amino acid with highly similar properties. A different alteration at this position, p.L1935P, was reported in 1/565 individuals with a clinical diagnosis of neurofibromatosis, and was found to segregate in 3/3 affected individuals in the proband's family (Sabbagh A et al. Hum. Mutat., 2013 Nov;34:1510-8). This amino acid position is highly conserved in available vertebrate species. In addition, the in silico prediction for this alteration is inconclusive. Since supporting evidence is limited at this time, the clinical significance of this alteration remains unclear.